The following is an entry in ClinVar:

ClinVar aggregate classification (germline): Uncertain significance (1 of 4 stars; one submission).

Submission:

Ambry Genetics
Classification: Uncertain significance. Last evaluated: 2026-04-20. Review status: criteria provided, single submitter. Criteria: Ambry Variant Classification Scheme 2023. Collection method: clinical testing. Allele origin: germline.
Comment: The p.P141S variant (also known as c.421C>T), located in coding exon 3 of the GFI1 gene, results from a C to T substitution at nucleotide position 421. The proline at codon 141 is replaced by serine, an amino acid with similar properties. This amino acid position is conserved. In addition, this alteration is predicted to be tolerated by in silico analysis. Based on the available evidence, the clinical significance of this variant remains unclear.

NM_005263.5(GFI1):c.421C>T (p.Pro141Ser)

Gene: GFI1 (growth factor independent 1 transcriptional repressor; minus strand). Cytogenetic location: 1p22.1.
Variant type: single nucleotide variant.
Coding change: c.421C>T on transcript NM_005263.5 (MANE Select); coding-DNA position 421, C replaced by T.
Protein change: p.Pro141Ser; replaces proline 141 with serine.
Molecular consequence: missense variant.
Genome position (GRCh38, 1-based): chr1:92,480,966, G>A on the plus strand (C>T on the coding strand, the complement: GFI1 is on the minus strand). VCF-style: chr1-92480966-G-A. GRCh37 (hg19) VCF-style: chr1-92946523-G-A.
Other names: c.421C>T, p.Pro141Ser (NM_001127215.3, NM_001127216.3); short protein forms P141S.
Identifiers: ClinVar variation 4858041 (VCV004858041.1).
Genomic context (GRCh38, chr1:92,480,966, plus strand): 5'-GCTCCGGGGCGGGTTCGCAGAAGAGGCCCAGGCCAGCGCCACGCTCCAGGGCCCCACACG[G>A]TCGGTAGCTCTGCACCAGGTGCCGCAGGTCAGAACCCGCCAGGCCGCTCCATGAGTACGG-3'
Protein context (NP_005254.2, residues 131-151): DLRHLVQSYR[Pro141Ser]CGALERGAGL